The following is an entry in ClinVar:

NM_003227.4(TFR2):c.1851C>T (p.Ala617=)

Gene: TFR2 (transferrin receptor 2; minus strand). Cytogenetic location: 7q22.1.
Variant type: single nucleotide variant.
Coding change: c.1851C>T on transcript NM_003227.4 (MANE Select); coding-DNA position 1851, C replaced by T.
Protein change: p.Ala617=; no amino-acid change (alanine 617 retained).
Molecular consequence: synonymous variant.
Genome position (GRCh38, 1-based): chr7:100,627,408, G>A on the plus strand (C>T on the coding strand, the complement: TFR2 is on the minus strand). VCF-style: chr7-100627408-G-A. GRCh37 (hg19) VCF-style: chr7-100225031-G-A.
Other names: c.1338C>T, p.Ala446= (NM_001206855.3).
Identifiers: ClinVar variation 21369 (VCV000021369.26), dbSNP rs2075674, ClinGen allele CA341980.

ClinVar aggregate classification (germline): Benign/Likely benign. Review status: criteria provided, multiple submitters, no conflicts (2 of 4 stars). 9 submissions from 9 submitters: Benign (6); Likely benign (1). 2 of the submissions do not count toward it. Last evaluated 2026-02-04.

Conditions:
Hereditary hemochromatosis type 4.
Hereditary hemochromatosis (HFE). Identifiers: MedGen C0392514, MONDO:0006507. Disease mechanism: loss of function.
Hemochromatosis type 3 (HFE3). Also called: TFR2-Related Hemochromatosis; HEMOCHROMATOSIS DUE TO DEFECT IN TRANSFERRIN RECEPTOR 2; Hereditary hemochromatosis type 3. Identifiers: Orphanet 225123, MedGen C1858664, MONDO:0011417, OMIM 604250.

Allele frequency attached by ClinVar (database versions not stated): gnomAD 0.16174 and 0.16252; ESP Exome Variant Server 0.16307; gnomAD exomes 0.17597 and 0.19103; ExAC 0.24751; 1000 Genomes Project 0.12999; TOPMed 0.15532; 1000 Genomes Project 30x 0.12883.
gnomAD v4.1: 294,575 of 1,568,136 alleles (19%); highest among the groups gnomAD compares: Non-Finnish European, 20%; 29,033 homozygotes.

Submissions (9):

Labcorp Genetics (formerly Invitae), Labcorp
Classification: Benign for Hereditary hemochromatosis. Last evaluated: 2026-02-04. Review status: criteria provided, single submitter. Criteria: Invitae Variant Classification Sherloc (09022015). Collection method: clinical testing. Allele origin: germline.

Center for Genomic Medicine, Rigshospitalet, Copenhagen University Hospital
Classification: Benign. Last evaluated: 2025-03-04. Review status: criteria provided, single submitter. Criteria: ACMG Guidelines, 2015. Collection method: clinical testing. Allele origin: germline.

Blueprint Genetics
Classification: Likely benign. Last evaluated: 2024-11-27. Review status: criteria provided, single submitter. Criteria: ACMG Guidelines, 2015. Collection method: clinical testing. Allele origin: germline.

Genome-Nilou Lab
Classification: Benign for Hemochromatosis type 3. Last evaluated: 2021-07-10. Review status: criteria provided, single submitter. Criteria: ACMG Guidelines, 2015. Collection method: clinical testing. Allele origin: germline. Affected: no.

Illumina Laboratory Services, Illumina
Classification: Benign for Hemochromatosis type 3. Last evaluated: 2018-01-13. Review status: criteria provided, single submitter. Criteria: ICSL Variant Classification Criteria 13 December 2019. Collection method: clinical testing. Allele origin: germline.
Comment: This variant was observed in the ICSL laboratory as part of a predisposition screen in an ostensibly healthy population. It had not been previously curated by ICSL or reported in the Human Gene Mutation Database (HGMD: prior to June 1st, 2018), and was therefore a candidate for classification through an automated scoring system. Utilizing variant allele frequency, disease prevalence and penetrance estimates, and inheritance mode, an automated score was calculated to assess if this variant is too frequent to cause the disease. Based on the score and internal cut-off values, a variant classified as benign is not then subjected to further curation. The score for this variant resulted in a classification of benign for this disease.

Breakthrough Genomics
Classification: Benign. Review status: criteria provided, single submitter. Criteria: ACMG Guidelines, 2015. Collection method: not provided. Allele origin: germline. Inheritance: Autosomal recessive inheritance. Affected: yes.

PreventionGenetics, part of Exact Sciences
Classification: Benign. Review status: criteria provided, single submitter. Criteria: ACMG Guidelines, 2015. Collection method: clinical testing. Allele origin: germline.

Natera, Inc.
Classification: Benign for Hereditary hemochromatosis type 4. Last evaluated: 2020-09-16. Review status: no assertion criteria provided. Collection method: clinical testing. Allele origin: germline. Not counted in ClinVar's aggregate classification.

GeneReviews
No classification provided. Condition: Hemochromatosis type 3. Review status: no classification provided. Collection method: literature only. Allele origin: unknown. Not counted in ClinVar's aggregate classification.

Literature cited by the submitters: PubMed 11102989 (cited by GeneReviews); PubMed 11358389 (cited by GeneReviews); PubMed 20301523 (cited by GeneReviews); NCBI Bookshelf NBK1349 (cited by GeneReviews).